The following is an entry in ClinVar:

NM_021096.4(CACNA1I):c.6370T>G (p.Ser2124Ala)

Gene: CACNA1I (calcium voltage-gated channel subunit alpha1 I; plus strand). Cytogenetic location: 22q13.1.
Variant type: single nucleotide variant.
Coding change: c.6370T>G on transcript NM_021096.4 (MANE Select); coding-DNA position 6370, T replaced by G.
Protein change: p.Ser2124Ala; replaces serine 2124 with alanine.
Molecular consequence: missense variant.
Genome position (GRCh38, 1-based): chr22:39,686,103, T>G. VCF-style: chr22-39686103-T-G. GRCh37 (hg19) VCF-style: chr22-40082108-T-G.
Other names: c.6265T>G, p.Ser2089Ala (NM_001003406.2); short protein forms S2089A, S2124A.
Identifiers: ClinVar variation 3375874 (VCV003375874.1).

ClinVar aggregate classification (germline): Uncertain significance (1 of 4 stars; one submission).

Submission:

GeneDx
Classification: Uncertain significance. Last evaluated: 2024-05-05. Review status: criteria provided, single submitter. Criteria: GeneDx Variant Classification Process June 2021. Collection method: clinical testing. Allele origin: germline. Affected: yes.
Comment: Not observed at significant frequency in large population cohorts (gnomAD); In silico analysis indicates that this missense variant does not alter protein structure/function; Has not been previously published as pathogenic or benign to our knowledge